The following is an entry in ClinVar:

ClinVar aggregate classification (germline): Likely pathogenic (1 of 4 stars; one submission).

Submission:

Quest Diagnostics Nichols Institute San Juan Capistrano
Classification: Likely pathogenic. Last evaluated: 2025-03-03. Review status: criteria provided, single submitter. Criteria: Quest Diagnostics criteria. Collection method: clinical testing. Allele origin: unknown.
Comment: The NF1 c.1841dup (p.Asn614Lysfs*2) variant alters the translational reading frame of the NF1 mRNA and is predicted to cause the premature termination of NF1 protein synthesis. This variant has not been reported in individuals with NF1-related conditions in the published literature. This variant has not been reported in large, multi-ethnic general populations (Genome Aggregation Database). Based on the available information, this variant is classified as likely pathogenic.

NM_001042492.3(NF1):c.1841dup (p.Asn614fs)

Gene: NF1 (neurofibromin 1; plus strand). Cytogenetic location: 17q11.2.
Variant type: Duplication.
Coding change: c.1841dup on transcript NM_001042492.3 (MANE Select); coding-DNA position 1841, one base duplicated (A; older notation c.1841dupA).
Protein change: p.Asn614fs; shifts the reading frame from asparagine 614.
Molecular consequence: frameshift variant.
Genome position (GRCh38, 1-based): chr17:31,223,563, A duplicated; the last of 5 consecutive A bases (chr17:31,223,559-31,223,563); duplicating any one gives the same sequence. VCF-style (leftmost placement, unchanged base first): chr17-31223558-T-TA. GRCh37 (hg19) VCF-style: chr17-29550576-T-TA.
Other names: c.1841dup, p.Asn614fs (NM_000267.4); short protein forms N614fs.
Identifiers: ClinVar variation 4532904 (VCV004532904.1).